The following is an entry in ClinVar:

NM_144997.7(FLCN):c.1079C>G (p.Ser360Cys)

Gene: FLCN (folliculin; minus strand). Cytogenetic location: 17p11.2.
Variant type: single nucleotide variant.
Coding change: c.1079C>G on transcript NM_144997.7 (MANE Select); coding-DNA position 1079, C replaced by G.
Protein change: p.Ser360Cys; replaces serine 360 with cysteine.
Molecular consequence: missense variant.
Genome position (GRCh38, 1-based): chr17:17,217,166, G>C on the plus strand (C>G on the coding strand, the complement: FLCN is on the minus strand). VCF-style: chr17-17217166-G-C. GRCh37 (hg19) VCF-style: chr17-17120480-G-C.
Other names: c.1133C>G, p.Ser378Cys (NM_001353229.2); c.1079C>G, p.Ser360Cys (NM_001353230.2, NM_001353231.2); short protein forms S360C, S378C.
Identifiers: ClinVar variation 1785717 (VCV001785717.2), dbSNP rs2544174025, ClinGen allele CA398532378.

ClinVar aggregate classification (germline): Uncertain significance (1 of 4 stars; one submission).

Conditions:
Hereditary cancer-predisposing syndrome. Also called: Neoplastic Syndromes, Hereditary; Tumor predisposition; Hereditary Cancer Syndrome; Hereditary neoplastic syndrome. Identifiers: Orphanet 140162, MedGen C0027672, MeSH D009386, MONDO:0015356.

Submission:

Ambry Genetics
Classification: Uncertain significance for Hereditary cancer-predisposing syndrome. Last evaluated: 2021-08-31. Review status: criteria provided, single submitter. Criteria: Ambry Variant Classification Scheme 2023. Collection method: clinical testing. Allele origin: germline.
Comment: The p.S360C variant (also known as c.1079C>G), located in coding exon 7 of the FLCN gene, results from a C to G substitution at nucleotide position 1079. The serine at codon 360 is replaced by cysteine, an amino acid with dissimilar properties. This amino acid position is not well conserved in available vertebrate species. In addition, the in silico prediction for this alteration is inconclusive. Since supporting evidence is limited at this time, the clinical significance of this alteration remains unclear.